The following is an entry in ClinVar:

ClinVar aggregate classification (germline): Uncertain significance (1 of 4 stars; one submission).

gnomAD v4.1: 2 of 1,613,834 alleles (0.00012%); highest among the groups gnomAD compares: Non-Finnish European, 0.00017%; no homozygotes.

Submission:

GeneDx
Classification: Uncertain significance. Last evaluated: 2024-04-10. Review status: criteria provided, single submitter. Criteria: GeneDx Variant Classification Process June 2021. Collection method: clinical testing. Allele origin: germline. Affected: yes.
Comment: Not observed at significant frequency in large population cohorts (gnomAD); In silico analysis supports that this missense variant has a deleterious effect on protein structure/function; Has not been previously published as pathogenic or benign to our knowledge

NM_001037333.3(CYFIP2):c.3365A>T (p.Glu1122Val)

Genes: CYFIP2 (cytoplasmic FMR1 interacting protein 2; plus strand), NIPAL4-DT (NIPAL4 divergent transcript; minus strand). Cytogenetic location: 5q33.3.
Variant type: single nucleotide variant.
Coding change: c.3365A>T on transcript NM_001037333.3 (MANE Select); coding-DNA position 3365, A replaced by T.
Protein change: p.Glu1122Val; replaces glutamic acid 1122 with valine.
Molecular consequence: missense variant.
Genome position (GRCh38, 1-based): chr5:157,389,346, A>T. VCF-style: chr5-157389346-A-T. GRCh37 (hg19) VCF-style: chr5-156816354-A-T.
Other names: c.3287A>T, p.Glu1096Val (NM_001291721.2); c.3440A>T, p.Glu1147Val (NM_001291722.2); c.3365A>T, p.Glu1122Val (NM_014376.4); short protein forms E1096V, E1122V, E1147V.
Identifiers: ClinVar variation 3372225 (VCV003372225.1).